The following is an entry in ClinVar:

ClinVar aggregate classification (germline): Uncertain significance (1 of 4 stars; one submission).

Conditions:
Inborn genetic diseases. Identifiers: MedGen C0950123, MeSH D030342.

Allele frequency attached by ClinVar (database versions not stated): TOPMed below 0.00001; gnomAD exomes 0.00001.
gnomAD v4.1: 20 of 1,603,240 alleles (0.0012%); highest among the groups gnomAD compares: Non-Finnish European, 0.0016%; no homozygotes.

Submission:

Ambry Genetics
Classification: Uncertain significance for Inborn genetic diseases. Last evaluated: 2017-09-25. Review status: criteria provided, single submitter. Criteria: Ambry Variant Classification Scheme 2023. Collection method: clinical testing. Allele origin: germline.
Comment: The p.N621S variant (also known as c.1862A>G), located in coding exon 10 of the KAT6A gene, results from an A to G substitution at nucleotide position 1862. The asparagine at codon 621 is replaced by serine, an amino acid with highly similar properties. This amino acid position is highly conserved in available vertebrate species. In addition, the in silico prediction for this alteration is inconclusive. Since supporting evidence is limited at this time, the clinical significance of this alteration remains unclear.

NM_006766.5(KAT6A):c.1862A>G (p.Asn621Ser)

Gene: KAT6A (lysine acetyltransferase 6A; minus strand). Cytogenetic location: 8p11.21.
Variant type: single nucleotide variant.
Coding change: c.1862A>G on transcript NM_006766.5 (MANE Select); coding-DNA position 1862, A replaced by G.
Protein change: p.Asn621Ser; replaces asparagine 621 with serine.
Molecular consequence: missense variant.
Genome position (GRCh38, 1-based): chr8:41,947,791, T>C on the plus strand (A>G on the coding strand, the complement: KAT6A is on the minus strand). VCF-style: chr8-41947791-T-C. GRCh37 (hg19) VCF-style: chr8-41805309-T-C.
Other names: c.1862A>G, p.Asn621Ser (NM_001305878.2); short protein forms N621S.
Identifiers: ClinVar variation 1781523 (VCV001781523.2), dbSNP rs1165456145, ClinGen allele CA371073828.